The following is an entry in ClinVar:

ClinVar aggregate classification (germline): Benign (0 of 4 stars; one submission).

Conditions:
MUC16-related disorder. Also called: MUC16-related condition.

Allele frequency attached by ClinVar (database versions not stated): ESP Exome Variant Server 0.02400; gnomAD 0.02473; ExAC 0.02810; 1000 Genomes Project 0.03474; 1000 Genomes Project 30x 0.03623.

Submission:

PreventionGenetics, part of Exact Sciences
Classification: Benign for MUC16-related condition. Last evaluated: 2020-02-18. Review status: no assertion criteria provided. Collection method: clinical testing. Allele origin: germline.
Comment: This variant is classified as benign based on ACMG/AMP sequence variant interpretation guidelines (Richards et al. 2015 PMID: 25741868, with internal and published modifications).

NM_001401501.2(MUC16):c.37820T>C (p.Leu12607Pro)

Gene: MUC16 (mucin 16, cell surface associated; minus strand). Cytogenetic location: 19p13.2.
Variant type: single nucleotide variant.
Coding change: c.37820T>C on transcript NM_001401501.2 (MANE Select); coding-DNA position 37820, T replaced by C.
Protein change: p.Leu12607Pro; replaces leucine 12607 with proline.
Molecular consequence: missense variant.
Genome position (GRCh38, 1-based): chr19:8,907,864, A>G on the plus strand (T>C on the coding strand, the complement: MUC16 is on the minus strand). VCF-style: chr19-8907864-A-G. GRCh37 (hg19) VCF-style: chr19-9018540-A-G.
Other names: c.38246T>C, p.Leu12749Pro (NM_001414686.1); c.37700T>C, p.Leu12567Pro (NM_001414687.1); c.37634T>C, p.Leu12545Pro (NM_024690.2); short protein forms L12545P, L12567P, L12607P, L12749P.
Identifiers: ClinVar variation 3037660 (VCV003037660.2), dbSNP rs200155559, ClinGen allele CA9165006.